The following is an entry in ClinVar:

NM_001854.4(COL11A1):c.541G>A (p.Asp181Asn)

Gene: COL11A1 (collagen type XI alpha 1 chain; minus strand). Cytogenetic location: 1p21.1.
Variant type: single nucleotide variant.
Coding change: c.541G>A on transcript NM_001854.4 (MANE Select); coding-DNA position 541, G replaced by A.
Protein change: p.Asp181Asn; replaces aspartic acid 181 with asparagine.
Molecular consequence: missense variant. On other transcripts: non-coding transcript variant (1).
Genome position (GRCh38, 1-based): chr1:103,074,728, C>T on the plus strand (G>A on the coding strand, the complement: COL11A1 is on the minus strand). VCF-style: chr1-103074728-C-T. GRCh37 (hg19) VCF-style: chr1-103540284-C-T.
Other names: c.541G>A, p.Asp181Asn (NM_001168249.1, NM_001190709.2, NM_080629.3 and 1 more transcripts); c.541G>A (NM_001854.3); short protein forms D181N.
Identifiers: ClinVar variation 2157101 (VCV002157101.5), dbSNP rs2526146042, ClinGen allele CA341166450.
Genomic context (GRCh38, chr1:103,074,728, plus strand): 5'-TGGTATCAACAATTGCTCTCTCACTTCTATCAAGTGGTTTCGTGGTTTTCTTCTTACAAT[C>T]AACAATCATTGTCACAGTTTTCTTCTCCACGCTGATTGCTACCCGATGCCACCTAAAAAA-3'
Protein context (NP_001845.3, residues 171-191): VEKKTVTMIV[Asp181Asn]CKKKTTKPLD

ClinVar aggregate classification (germline): Uncertain significance. Review status: criteria provided, multiple submitters, no conflicts (2 of 4 stars). 2 submissions from 2 submitters: Uncertain significance (2). Last evaluated 2022-10-31.

Submissions (2):

GeneDx
Classification: Uncertain significance. Last evaluated: 2022-10-31. Review status: criteria provided, single submitter. Criteria: GeneDx Variant Classification Process June 2021. Collection method: clinical testing. Allele origin: germline. Affected: yes.
Comment: Not observed at significant frequency in large population cohorts (gnomAD); In silico analysis supports that this missense variant has a deleterious effect on protein structure/function; Has not been previously published as pathogenic or benign to our knowledge; Not located in the triple helical region, where the majority of pathogenic missense variants occur (HGMD; Acke et al., 2014); This variant is associated with the following publications: (PMID: 25240749)

Labcorp Genetics (formerly Invitae), Labcorp
Classification: Uncertain significance. Last evaluated: 2022-04-28. Review status: criteria provided, single submitter. Criteria: Invitae Variant Classification Sherloc (09022015). Collection method: clinical testing. Allele origin: germline.
Comment: Advanced modeling of protein sequence and biophysical properties (such as structural, functional, and spatial information, amino acid conservation, physicochemical variation, residue mobility, and thermodynamic stability) performed at Invitae indicates that this missense variant is not expected to disrupt COL11A1 protein function. In summary, the available evidence is currently insufficient to determine the role of this variant in disease. Therefore, it has been classified as a Variant of Uncertain Significance. This variant has not been reported in the literature in individuals affected with COL11A1-related conditions. This sequence change replaces aspartic acid, which is acidic and polar, with asparagine, which is neutral and polar, at codon 181 of the COL11A1 protein (p.Asp181Asn). This variant is not present in population databases (gnomAD no frequency).